The following is an entry in ClinVar:

NM_000701.8(ATP1A1):c.1409T>C (p.Met470Thr)

Genes: ATP1A1 (ATPase Na+/K+ transporting subunit alpha 1; plus strand), ATP1A1-AS1 (ATP1A1 antisense RNA 1; minus strand). Cytogenetic location: 1p13.1.
Variant type: single nucleotide variant.
Coding change: c.1409T>C on transcript NM_000701.8 (MANE Select); coding-DNA position 1409, T replaced by C.
Protein change: p.Met470Thr; replaces methionine 470 with threonine.
Molecular consequence: missense variant. On other transcripts: non-coding transcript variant (1).
Genome position (GRCh38, 1-based): chr1:116,392,930, T>C. VCF-style: chr1-116392930-T-C. GRCh37 (hg19) VCF-style: chr1-116935552-T-C.
Other names: c.1409T>C, p.Met470Thr (NM_001160233.2); c.1316T>C, p.Met439Thr (NM_001160234.2); short protein forms M439T, M470T.
Identifiers: ClinVar variation 2978069 (VCV002978069.3), dbSNP rs1347690405, ClinGen allele CA341770454.

ClinVar aggregate classification (germline): Uncertain significance (1 of 4 stars; one submission).

Allele frequency attached by ClinVar (database versions not stated): gnomAD 0.00001; TOPMed 0.00002.
gnomAD v4.1: 2 of 1,613,870 alleles (0.00012%); highest among the groups gnomAD compares: African/African-American, 0.0027%; no homozygotes.

Submission:

Labcorp Genetics (formerly Invitae), Labcorp
Classification: Uncertain significance. Last evaluated: 2024-01-07. Review status: criteria provided, single submitter. Criteria: Invitae Variant Classification Sherloc (09022015). Collection method: clinical testing. Allele origin: germline.
Comment: This sequence change replaces methionine, which is neutral and non-polar, with threonine, which is neutral and polar, at codon 470 of the ATP1A1 protein (p.Met470Thr). This variant is not present in population databases (gnomAD no frequency). This variant has not been reported in the literature in individuals affected with ATP1A1-related conditions. Advanced modeling of protein sequence and biophysical properties (such as structural, functional, and spatial information, amino acid conservation, physicochemical variation, residue mobility, and thermodynamic stability) performed at Invitae indicates that this missense variant is not expected to disrupt ATP1A1 protein function with a negative predictive value of 80%. In summary, the available evidence is currently insufficient to determine the role of this variant in disease. Therefore, it has been classified as a Variant of Uncertain Significance.